The following is an entry in ClinVar:

NM_021615.5(CHST6):c.115G>C (p.Ala39Pro)

Gene: CHST6 (carbohydrate sulfotransferase 6; minus strand). Cytogenetic location: 16q23.1.
Variant type: single nucleotide variant.
Coding change: c.115G>C on transcript NM_021615.5 (MANE Select); coding-DNA position 115, G replaced by C.
Protein change: p.Ala39Pro; replaces alanine 39 with proline.
Molecular consequence: missense variant.
Genome position (GRCh38, 1-based): chr16:75,479,714, C>G on the plus strand (G>C on the coding strand, the complement: CHST6 is on the minus strand). VCF-style: chr16-75479714-C-G. GRCh37 (hg19) VCF-style: chr16-75513612-C-G.
Other names: short protein forms A39P.
Identifiers: ClinVar variation 888247 (VCV000888247.12), dbSNP rs760172031, ClinGen allele CA8175583.

ClinVar aggregate classification (germline): Uncertain significance. Review status: criteria provided, multiple submitters, no conflicts (2 of 4 stars). 3 submissions from 3 submitters: Uncertain significance (3). Last evaluated 2025-01-16.

Conditions:
Macular corneal dystrophy (MCD). Also called: GROENOUW TYPE II CORNEAL DYSTROPHY; Macular corneal dystrophy Type I. Identifiers: Orphanet 98969, MedGen C1636149, MONDO:0009020, OMIM 217800.
Inborn genetic diseases. Identifiers: MedGen C0950123, MeSH D030342.

Allele frequency attached by ClinVar (database versions not stated): ExAC 0.00003; gnomAD 0.00004; TOPMed 0.00005.
gnomAD v4.1: 72 of 1,609,100 alleles (0.0045%); highest among the groups gnomAD compares: Non-Finnish European, 0.0059%; no homozygotes.

Submissions (3):

Ambry Genetics
Classification: Uncertain significance for Inborn genetic diseases. Last evaluated: 2025-01-16. Review status: criteria provided, single submitter. Criteria: Ambry Variant Classification Scheme 2023. Collection method: clinical testing. Allele origin: germline.

Labcorp Genetics (formerly Invitae), Labcorp
Classification: Uncertain significance for Macular corneal dystrophy. Last evaluated: 2024-09-29. Review status: criteria provided, single submitter. Criteria: Invitae Variant Classification Sherloc (09022015). Collection method: clinical testing. Allele origin: germline.
Comment: This sequence change replaces alanine, which is neutral and non-polar, with proline, which is neutral and non-polar, at codon 39 of the CHST6 protein (p.Ala39Pro). This variant is present in population databases (rs760172031, gnomAD 0.005%). This variant has not been reported in the literature in individuals affected with CHST6-related conditions. ClinVar contains an entry for this variant (Variation ID: 888247). Invitae Evidence Modeling of protein sequence and biophysical properties (such as structural, functional, and spatial information, amino acid conservation, physicochemical variation, residue mobility, and thermodynamic stability) indicates that this missense variant is not expected to disrupt CHST6 protein function with a negative predictive value of 80%. In summary, the available evidence is currently insufficient to determine the role of this variant in disease. Therefore, it has been classified as a Variant of Uncertain Significance.

Illumina Laboratory Services, Illumina
Classification: Uncertain significance for Macular corneal dystrophy. Last evaluated: 2018-01-12. Review status: criteria provided, single submitter. Criteria: ICSL Variant Classification Criteria 13 December 2019. Collection method: clinical testing. Allele origin: germline.